The following is an entry in ClinVar:

NM_001754.5(RUNX1):c.1004A>G (p.Gln335Arg)

Gene: RUNX1 (RUNX family transcription factor 1; minus strand). Cytogenetic location: 21q22.12.
Variant type: single nucleotide variant.
Coding change: c.1004A>G on transcript NM_001754.5 (MANE Select); coding-DNA position 1004, A replaced by G.
Protein change: p.Gln335Arg; replaces glutamine 335 with arginine.
Molecular consequence: missense variant.
Genome position (GRCh38, 1-based): chr21:34,792,574, T>C on the plus strand (A>G on the coding strand, the complement: RUNX1 is on the minus strand). VCF-style: chr21-34792574-T-C. GRCh37 (hg19) VCF-style: chr21-36164871-T-C.
Other names: NM_001754.5(RUNX1):c.1004A>G; p.Gln335Arg; c.923A>G, p.Gln308Arg (NM_001001890.3); short protein forms Q308R, Q335R.
Identifiers: ClinVar variation 650331 (VCV000650331.14), dbSNP rs928106783, ClinGen allele CA320251627.

ClinVar aggregate classification (germline): Uncertain significance. Review status: reviewed by expert panel (3 of 4 stars). 4 submissions from 4 submitters: Uncertain significance (1). 3 of the submissions do not count toward it. Last evaluated 2024-10-29.

Conditions:
Hereditary thrombocytopenia and hematologic cancer predisposition syndrome. Identifiers: Orphanet 71290, MedGen CN281654, MONDO:0011071.
Inborn genetic diseases. Identifiers: MedGen C0950123, MeSH D030342.
Hereditary thrombocytopenia and hematological cancer predisposition syndrome associated with RUNX1. Also called: Familial Platelet Disorder with Propensity to Acute Myelogenous Leukemia; Familial thrombocytopenia with propensity to acute myelogenous leukemia; RUNX1 Familial Platelet Disorder with Associated Myeloid Malignancies; PLATELET DISORDER, ASPIRIN-LIKE. Identifiers: Orphanet 71290, MedGen C1832388, MeSH C563324, MONDO:0100083, OMIM 601399.

Submissions (4):

ClinGen Myeloid Malignancy Variant Curation Expert Panel
Classification: Uncertain significance for Hereditary thrombocytopenia and hematologic cancer predisposition syndrome. Last evaluated: 2024-10-29. Review status: reviewed by expert panel. Criteria: ClinGen MyeloMalig ACMG Specifications v2. Collection method: curation. Allele origin: germline. Inheritance: Autosomal dominant inheritance.
Comment: NM_001754.5(RUNX1):c.1004A>G (p.Gln335Arg) is a missense variant which has a REVEL score < 0.50 (0.37) and a SpliceAI score ≤ 0.20 (0.0) (BP4). This variant is completely absent from all population databases with at least 20x coverage for RUNX1 (PM2_Supporting). In summary, the clinical significance of this variant is uncertain. ACMG/AMP criteria applied, as specified by the Myeloid Malignancy Variant Curation Expert Panel for RUNX1: BP4, PM2_supporting.

Ambry Genetics
Classification: Uncertain significance for Inborn genetic diseases. Last evaluated: 2025-02-20. Review status: criteria provided, single submitter. Criteria: Ambry Variant Classification Scheme 2023. Collection method: clinical testing. Allele origin: germline. Not counted in ClinVar's aggregate classification.
Comment: The p.Q335R variant (also known as c.1004A>G), located in coding exon 8 of the RUNX1 gene, results from an A to G substitution at nucleotide position 1004. The glutamine at codon 335 is replaced by arginine, an amino acid with highly similar properties. This amino acid position is conserved. In addition, the in silico prediction for this alteration is inconclusive. Based on the available evidence, the clinical significance of this variant remains unclear.

Labcorp Genetics (formerly Invitae), Labcorp
Classification: Uncertain significance for Hereditary thrombocytopenia and hematological cancer predisposition syndrome associated with RUNX1. Last evaluated: 2023-11-10. Review status: criteria provided, single submitter. Criteria: Invitae Variant Classification Sherloc (09022015). Collection method: clinical testing. Allele origin: germline. Not counted in ClinVar's aggregate classification.
Comment: This sequence change replaces glutamine, which is neutral and polar, with arginine, which is basic and polar, at codon 335 of the RUNX1 protein (p.Gln335Arg). This variant is not present in population databases (gnomAD no frequency). This variant has not been reported in the literature in individuals affected with RUNX1-related conditions. ClinVar contains an entry for this variant (Variation ID: 650331). Advanced modeling of protein sequence and biophysical properties (such as structural, functional, and spatial information, amino acid conservation, physicochemical variation, residue mobility, and thermodynamic stability) performed at Invitae indicates that this missense variant is not expected to disrupt RUNX1 protein function with a negative predictive value of 80%. In summary, the available evidence is currently insufficient to determine the role of this variant in disease. Therefore, it has been classified as a Variant of Uncertain Significance.

Illumina Laboratory Services, Illumina
Classification: Uncertain significance for Hereditary thrombocytopenia and hematological cancer predisposition syndrome associated with RUNX1. Last evaluated: 2018-01-12. Review status: criteria provided, single submitter. Criteria: ICSL Variant Classification Criteria 13 December 2019. Collection method: clinical testing. Allele origin: germline. Not counted in ClinVar's aggregate classification.